The following is an entry in ClinVar:

NM_000243.3(MEFV):c.1681C>T (p.His561Tyr)

Genes: MEFV (MEFV innate immunity regulator, pyrin; minus strand), LOC126862264 (CDK7 strongly-dependent group 2 enhancer GRCh37_chr16:3293322-3294521; plus strand). Cytogenetic location: 16p13.3.
Variant type: single nucleotide variant.
Coding change: c.1681C>T on transcript NM_000243.3 (MANE Select); coding-DNA position 1681, C replaced by T.
Protein change: p.His561Tyr; replaces histidine 561 with tyrosine.
Molecular consequence: missense variant.
Genome position (GRCh38, 1-based): chr16:3,244,518, G>A on the plus strand (C>T on the coding strand, the complement: MEFV is on the minus strand). VCF-style: chr16-3244518-G-A. GRCh37 (hg19) VCF-style: chr16-3294518-G-A.
Other names: c.1048C>T, p.His350Tyr (NM_001198536.2); short protein forms H561Y, H350Y.
Identifiers: ClinVar variation 864685 (VCV000864685.14), dbSNP rs952604863, ClinGen allele CA276896126.

ClinVar aggregate classification (germline): Conflicting classifications of pathogenicity. Review status: criteria provided, conflicting classifications (1 of 4 stars). 7 submissions from 5 submitters: Uncertain significance (3); Likely benign (3). 1 of the submissions does not count toward it. Last evaluated 2025-10-21.

Conditions:
Inborn genetic diseases. Identifiers: MedGen C0950123, MeSH D030342.
Familial Mediterranean fever (FMF). Also called: POLYSEROSITIS, FAMILIAL PAROXYSMAL; POLYSEROSITIS, RECURRENT; Periodic peritonitis; Benign paroxysmal peritonitis. Identifiers: Orphanet 342, MedGen C0031069, MONDO:0018088, OMIM 249100. Disease mechanism: gain of function.
Familial Mediterranean fever, autosomal dominant. Also called: FMF, AUTOSOMAL DOMINANT; Dominant Familial Mediterranean Fever. Identifiers: Orphanet 342, MedGen C1851347, MONDO:0007601, OMIM 134610.
Acute febrile neutrophilic dermatosis (AFND). Also called: Sweet Syndrome; Gomm Button disease. Identifiers: Orphanet 3243, MedGen C0085077, MONDO:0011959, OMIM 608068.

Allele frequency attached by ClinVar (database versions not stated): gnomAD exomes 0.00001; TOPMed 0.00003; gnomAD 0.00001.
gnomAD v4.1: 16 of 1,614,054 alleles (0.00099%); highest among the groups gnomAD compares: Non-Finnish European, 0.0014%; no homozygotes.

Submissions (7):

Labcorp Genetics (formerly Invitae), Labcorp
Classification: Uncertain significance for Familial Mediterranean fever. Last evaluated: 2025-10-21. Review status: criteria provided, single submitter. Criteria: Invitae Variant Classification Sherloc (09022015). Collection method: clinical testing. Allele origin: germline.
Comment: This sequence change replaces histidine, which is basic and polar, with tyrosine, which is neutral and polar, at codon 561 of the MEFV protein (p.His561Tyr). This variant is not present in population databases (gnomAD no frequency). This variant has not been reported in the literature in individuals affected with MEFV-related conditions. ClinVar contains an entry for this variant (Variation ID: 864685). An algorithm developed to predict the effect of missense changes on protein structure and function outputs the following: PolyPhen-2: "Benign". The tyrosine amino acid residue is found in multiple mammalian species, which suggests that this missense change does not adversely affect protein function. In summary, the available evidence is currently insufficient to determine the role of this variant in disease. Therefore, it has been classified as a Variant of Uncertain Significance.

Ambry Genetics
Classification: Likely benign for Inborn genetic diseases. Last evaluated: 2024-10-04. Review status: criteria provided, single submitter. Criteria: Ambry Variant Classification Scheme 2023. Collection method: clinical testing. Allele origin: germline.

Fulgent Genetics
Classification: Uncertain significance for Familial Mediterranean fever, autosomal dominant; Familial Mediterranean fever; Acute febrile neutrophilic dermatosis. Last evaluated: 2024-01-24. Review status: criteria provided, single submitter. Criteria: ACMG Guidelines, 2015. Collection method: clinical testing. Allele origin: germline.

Genome-Nilou Lab
Classification: Uncertain significance for Familial Mediterranean fever. Last evaluated: 2023-02-08. Review status: criteria provided, single submitter. Criteria: ACMG Guidelines, 2015. Collection method: clinical testing. Allele origin: germline.

Genome-Nilou Lab
Classification: Likely benign for Familial Mediterranean fever, autosomal dominant. Last evaluated: 2023-02-08. Review status: criteria provided, single submitter. Criteria: ACMG Guidelines, 2015. Collection method: clinical testing. Allele origin: germline.

Genome-Nilou Lab
Classification: Likely benign for Acute febrile neutrophilic dermatosis. Last evaluated: 2023-02-08. Review status: criteria provided, single submitter. Criteria: ACMG Guidelines, 2015. Collection method: clinical testing. Allele origin: germline.

Natera, Inc.
Classification: Uncertain significance for Familial Mediterranean fever. Last evaluated: 2021-01-22. Review status: no assertion criteria provided. Collection method: clinical testing. Allele origin: germline. Not counted in ClinVar's aggregate classification.